The following is an entry in ClinVar:

NM_001206927.2(DNAH8):c.10896G>T (p.Leu3632Phe)

Genes: DNAH8-AS1 (DNAH8 antisense RNA 1; minus strand), DNAH8 (dynein axonemal heavy chain 8; plus strand). Cytogenetic location: 6p21.2.
Variant type: single nucleotide variant.
Coding change: c.10896G>T on transcript NM_001206927.2 (MANE Select); coding-DNA position 10896, G replaced by T.
Protein change: p.Leu3632Phe; replaces leucine 3632 with phenylalanine.
Molecular consequence: missense variant.
Genome position (GRCh38, 1-based): chr6:38,924,096, G>T. VCF-style: chr6-38924096-G-T. GRCh37 (hg19) VCF-style: chr6-38891872-G-T.
Other names: c.10245G>T, p.Leu3415Phe (NM_001371.4); short protein forms L3415F, L3632F.
Identifiers: ClinVar variation 3672954 (VCV003672954.1).

ClinVar aggregate classification (germline): Uncertain significance (1 of 4 stars; one submission).

Conditions:
Primary ciliary dyskinesia. Also called: Ciliary dyskinesia. Identifiers: Orphanet 244, MedGen C0008780, MONDO:0016575, HP:0012265.

gnomAD v4.1: 1 of 1,614,030 alleles (0.000062%); no homozygotes.

Submission:

Labcorp Genetics (formerly Invitae), Labcorp
Classification: Uncertain significance for Primary ciliary dyskinesia. Last evaluated: 2024-11-09. Review status: criteria provided, single submitter. Criteria: Invitae Variant Classification Sherloc (09022015). Collection method: clinical testing. Allele origin: germline.
Comment: This sequence change replaces leucine, which is neutral and non-polar, with phenylalanine, which is neutral and non-polar, at codon 3632 of the DNAH8 protein (p.Leu3632Phe). This variant is not present in population databases (gnomAD no frequency). This variant has not been reported in the literature in individuals affected with DNAH8-related conditions. Invitae Evidence Modeling of protein sequence and biophysical properties (such as structural, functional, and spatial information, amino acid conservation, physicochemical variation, residue mobility, and thermodynamic stability) indicates that this missense variant is not expected to disrupt DNAH8 protein function with a negative predictive value of 80%. Algorithms developed to predict the effect of sequence changes on RNA splicing suggest that this variant may disrupt the consensus splice site. In summary, the available evidence is currently insufficient to determine the role of this variant in disease. Therefore, it has been classified as a Variant of Uncertain Significance.